The following is an entry in ClinVar:

NM_000092.5(COL4A4):c.559-9T>G

Gene: COL4A4 (collagen type IV alpha 4 chain; minus strand). Cytogenetic location: 2q36.3.
Variant type: single nucleotide variant.
Coding change: c.559-9T>G on transcript NM_000092.5 (MANE Select); 9 bases into the intron before coding-DNA position 559, T replaced by G.
Molecular consequence: intron variant.
Genome position (GRCh38, 1-based): chr2:227,111,722, A>C on the plus strand (T>G on the coding strand, the complement: COL4A4 is on the minus strand). VCF-style: chr2-227111722-A-C. GRCh37 (hg19) VCF-style: chr2-227976438-A-C.
Identifiers: ClinVar variation 1307101 (VCV001307101.2), dbSNP rs1393612363, ClinGen allele CA2573051882.

ClinVar aggregate classification (germline): Uncertain significance (1 of 4 stars; one submission).

Submission:

GeneDx
Classification: Uncertain significance. Last evaluated: 2019-07-16. Review status: criteria provided, single submitter. Criteria: GeneDx Variant Classification Process June 2021. Collection method: clinical testing. Allele origin: germline. Affected: yes.
Comment: Not observed in large population cohorts (Lek et al., 2016); In-silico analysis, which includes splice predictors and evolutionary conservation, is inconclusive as to whether the variant alters gene splicing. In the absence of RNA/functional studies, the actual effect of this sequence change is unknown.; Has not been previously published as pathogenic or benign to our knowledge